The following is an entry in ClinVar:

ClinVar aggregate classification (germline): Pathogenic (1 of 4 stars; one submission).

Submission:

GeneDx
Classification: Pathogenic. Last evaluated: 2015-09-29. Review status: criteria provided, single submitter. Criteria: GeneDx Variant Classification (06012015). Collection method: clinical testing. Allele origin: germline. Affected: yes.
Comment: The c.11147-2A>G pathogenic variant in the KMT2A gene has not been reported previously as a pathogenic variant nor as a benign variant, to our knowledge. This splice site variant destroys the canonical splice acceptor site in intron 31. It is predicted to cause abnormal gene splicing, either leading to an abnormal message that is subject to nonsense-mediated mRNA decay, or to an abnormal protein product if the message is used for protein translation. The c.11147-2A>G variant was not observed in approximately 6500 individuals of European and African American ancestry in the NHLBI Exome Sequencing Project, indicating it is not a common benign variant in these populations. We interpret c.11147-2A>G as a pathogenic variant.

NM_001197104.2(KMT2A):c.11147-2A>G

Genes: KMT2A (lysine methyltransferase 2A; plus strand), TTC36-AS1 (TTC36 and KMT2A antisense RNA 1; minus strand). Cytogenetic location: 11q23.3.
Variant type: single nucleotide variant.
Coding change: c.11147-2A>G on transcript NM_001197104.2 (MANE Select); the canonical splice acceptor site of the intron before coding-DNA position 11147, A replaced by G.
Molecular consequence: splice acceptor variant. On other transcripts: non-coding transcript variant (4).
Genome position (GRCh38, 1-based): chr11:118,519,616, A>G. VCF-style: chr11-118519616-A-G. GRCh37 (hg19) VCF-style: chr11-118390331-A-G.
Other names: c.11237-2A>G (NM_001412597.1); c.11138-2A>G (NM_005933.4).
Identifiers: ClinVar variation 429880 (VCV000429880.2), dbSNP rs1131691648, ClinGen allele CA382831819.